The following is an entry in ClinVar:

NM_006421.5(ARFGEF1):c.4670T>C (p.Val1557Ala)

Gene: ARFGEF1 (ARF guanine nucleotide exchange factor 1; minus strand). Cytogenetic location: 8q13.2.
Variant type: single nucleotide variant.
Coding change: c.4670T>C on transcript NM_006421.5 (MANE Select); coding-DNA position 4670, T replaced by C.
Protein change: p.Val1557Ala; replaces valine 1557 with alanine.
Molecular consequence: missense variant. On other transcripts: non-coding transcript variant (1), splice donor variant (5).
Genome position (GRCh38, 1-based): chr8:67,216,606, A>G on the plus strand (T>C on the coding strand, the complement: ARFGEF1 is on the minus strand). VCF-style: chr8-67216606-A-G. GRCh37 (hg19) VCF-style: chr8-68128841-A-G.
Other names: c.4670T>C, p.Val1557Ala (NM_001413194.1, NM_001413184.1, NM_001413187.1 and 1 more transcripts); c.3245T>C, p.Val1082Ala (NM_001413196.1); c.4070T>C, p.Val1357Ala (NM_001413197.1, NM_001413188.1); c.4668+2T>C (NM_001413186.1, NM_001413185.1, NM_001413192.1 and 1 more transcripts); c.4068+2T>C (NM_001413193.1); c.4664T>C, p.Val1555Ala (NM_001413190.1); short protein forms V1357A, V1082A, V1555A, V1557A.
Identifiers: ClinVar variation 3936929 (VCV003936929.2).

ClinVar aggregate classification (germline): Uncertain significance. Review status: criteria provided, multiple submitters, no conflicts (2 of 4 stars). 2 submissions from 2 submitters: Uncertain significance (2). Last evaluated 2025-10-08.

Conditions:
Inborn genetic diseases. Identifiers: MedGen C0950123, MeSH D030342.
Developmental delay, impaired speech, and behavioral abnormalities, with or without seizures (DEDISB). Identifiers: MedGen C5575272, MONDO:0859263, OMIM 619964.

Submissions (2):

3billion
Classification: Uncertain significance for Developmental delay, impaired speech, and behavioral abnormalities, with or without seizures. Last evaluated: 2025-10-08. Review status: criteria provided, single submitter. Criteria: ACMG Guidelines, 2015. Collection method: clinical testing. Allele origin: germline. Affected: yes.
Comment: The variant is not observed in the gnomAD v4.1.0 dataset. Predicted Consequence/Location: Missense variant In silico tools predict the variant to alter splicing and produce an abnormal transcript [SpliceAI: 0.75 (>=0.2, moderate evidence for spliceogenicity)]. The variant has been reported as of uncertain significance (ClinVar ID: VCV003936929; 3billion dataset). Therefore, this variant is classified as VUS according to the recommendation of ACMG/AMP guideline.

Ambry Genetics
Classification: Uncertain significance for Inborn genetic diseases. Last evaluated: 2025-04-03. Review status: criteria provided, single submitter. Criteria: Ambry Variant Classification Scheme 2023. Collection method: clinical testing. Allele origin: germline.